The following is an entry in ClinVar:

NM_017617.5(NOTCH1):c.1903+14C>T

Gene: NOTCH1 (notch receptor 1; minus strand). Cytogenetic location: 9q34.3.
Variant type: single nucleotide variant.
Coding change: c.1903+14C>T on transcript NM_017617.5 (MANE Select); 14 bases into the intron after coding-DNA position 1903, C replaced by T.
Molecular consequence: intron variant.
Genome position (GRCh38, 1-based): chr9:136,515,469, G>A on the plus strand (C>T on the coding strand, the complement: NOTCH1 is on the minus strand). VCF-style: chr9-136515469-G-A. GRCh37 (hg19) VCF-style: chr9-139409921-G-A.
Identifiers: ClinVar variation 1643289 (VCV001643289.9), dbSNP rs370541870, ClinGen allele CA5341596.

ClinVar aggregate classification (germline): Benign/Likely benign. Review status: criteria provided, multiple submitters, no conflicts (2 of 4 stars). 2 submissions from 2 submitters: Benign (1); Likely benign (1). Last evaluated 2025-12-31.

Conditions:
Adams-Oliver syndrome 5 (AOS5). Identifiers: Orphanet 974, MedGen C4014970, MONDO:0014459, OMIM 616028.

Allele frequency attached by ClinVar (database versions not stated): ExAC 0.00005; gnomAD exomes 0.00012; gnomAD 0.00016 and 0.00017; ESP Exome Variant Server 0.00017; 1000 Genomes Project 0.00020; 1000 Genomes Project 30x 0.00031.
gnomAD v4.1: 151 of 1,611,268 alleles (0.0094%); highest among the groups gnomAD compares: Admixed American, 0.057%; no homozygotes.

Submissions (2):

Labcorp Genetics (formerly Invitae), Labcorp
Classification: Likely benign for Adams-Oliver syndrome 5. Last evaluated: 2025-12-31. Review status: criteria provided, single submitter. Criteria: Invitae Variant Classification Sherloc (09022015). Collection method: clinical testing. Allele origin: germline.

Women's Health and Genetics/Laboratory Corporation of America, LabCorp
Classification: Benign. Last evaluated: 2025-05-23. Review status: criteria provided, single submitter. Criteria: LabCorp Variant Classification Summary - May 2015. Collection method: clinical testing. Allele origin: germline.
Comment: Variant summary: NOTCH1 c.1903+14C>T alters a nucleotide located at a position not widely known to affect splicing. Several computational tools predict a significant impact on normal splicing: Three predict the variant creates a 5' donor site. One predict the variant strengthens a 5' donor site. However, these predictions have yet to be confirmed by functional studies. The variant allele was found at a frequency of 0.00012 in 241300 control chromosomes (gnomAD). The observed variant frequency is approximately 192 fold of the estimated maximal expected allele frequency for a pathogenic variant in NOTCH1 causing Adams-Oliver Syndrome 5 phenotype (6.3e-07). To our knowledge, no occurrence of c.1903+14C>T in individuals affected with Adams-Oliver Syndrome 5 and no experimental evidence demonstrating its impact on protein function have been reported. ClinVar contains an entry for this variant (Variation ID: 1643289). Based on the evidence outlined above, the variant was classified as benign.